The following is an entry in ClinVar:

NM_001430.5(EPAS1):c.2255C>T (p.Pro752Leu)

Gene: EPAS1 (endothelial PAS domain protein 1; plus strand). Cytogenetic location: 2p21.
Variant type: single nucleotide variant.
Coding change: c.2255C>T on transcript NM_001430.5 (MANE Select); coding-DNA position 2255, C replaced by T.
Protein change: p.Pro752Leu; replaces proline 752 with leucine.
Molecular consequence: missense variant.
Genome position (GRCh38, 1-based): chr2:46,382,057, C>T. VCF-style: chr2-46382057-C-T. GRCh37 (hg19) VCF-style: chr2-46609196-C-T.
Other names: p.Pro752Leu; short protein forms P752L.
Identifiers: ClinVar variation 775711 (VCV000775711.14), dbSNP rs113593554, ClinGen allele CA1645271.
Genomic context (GRCh38, chr2:46,382,057, plus strand): 5'-CCTCACATTTGATGTGGAAACGGATGAAGAACCTCAGGGGTGGGAGCTGCCCTTTGATGC[C>T]GGACAAGCCACTGAGCGCAAATGTACCCAATGGTGAGCAGCGGCCACAGGCCTGGGCCTC-3'
Protein context (NP_001421.2, residues 742-762): NLRGGSCPLM[Pro752Leu]DKPLSANVPN

ClinVar aggregate classification (germline): Benign/Likely benign. Review status: criteria provided, multiple submitters, no conflicts (2 of 4 stars). 5 submissions from 5 submitters: Benign (3); Likely benign (2). Last evaluated 2026-01-02.

Conditions:
Inborn genetic diseases. Identifiers: MedGen C0950123, MeSH D030342.

Allele frequency attached by ClinVar (database versions not stated): gnomAD exomes 0.00049 and 0.00123; ESP Exome Variant Server 0.00531; 1000 Genomes Project 0.00539; 1000 Genomes Project 30x 0.00562; gnomAD 0.00577 and 0.00614; TOPMed 0.00621.
gnomAD v4.1: 1,654 of 1,613,020 alleles (0.1%); highest among the groups gnomAD compares: African/African-American, 1.9%; 9 homozygotes.

Submissions (5):

Labcorp Genetics (formerly Invitae), Labcorp
Classification: Benign. Last evaluated: 2026-01-02. Review status: criteria provided, single submitter. Criteria: Invitae Variant Classification Sherloc (09022015). Collection method: clinical testing. Allele origin: germline.

Mayo Clinic Laboratories, Mayo Clinic
Classification: Likely benign. Last evaluated: 2025-05-26. Review status: criteria provided, single submitter. Criteria: ACMG Guidelines, 2015. Collection method: clinical testing. Allele origin: germline. Observed: 1 variant allele.
Comment: BS2, BP4_moderate

Center for Genomic Medicine, Rigshospitalet, Copenhagen University Hospital
Classification: Benign. Last evaluated: 2025-03-04. Review status: criteria provided, single submitter. Criteria: ACMG Guidelines, 2015. Collection method: clinical testing. Allele origin: germline.

Ambry Genetics
Classification: Likely benign for Inborn genetic diseases. Last evaluated: 2022-09-12. Review status: criteria provided, single submitter. Criteria: Ambry Variant Classification Scheme 2023. Collection method: clinical testing. Allele origin: germline.

Breakthrough Genomics
Classification: Benign. Review status: criteria provided, single submitter. Criteria: ACMG Guidelines, 2015. Collection method: not provided. Allele origin: germline. Inheritance: Autosomal dominant inheritance. Affected: yes.